The following is an entry in ClinVar:

ClinVar aggregate classification (germline): Uncertain significance (1 of 4 stars; one submission).

Conditions:
Hereditary cancer-predisposing syndrome. Also called: Hereditary Cancer Syndrome; Hereditary neoplastic syndrome; Neoplastic Syndromes, Hereditary; Tumor predisposition. Identifiers: Orphanet 140162, MedGen C0027672, MeSH D009386, MONDO:0015356.

Submission:

Ambry Genetics
Classification: Uncertain significance for Hereditary cancer-predisposing syndrome. Last evaluated: 2025-07-03. Review status: criteria provided, single submitter. Criteria: Ambry Variant Classification Scheme 2023. Collection method: clinical testing. Allele origin: germline.
Comment: The p.H129Q variant (also known as c.387T>G), located in coding exon 1 of the CDKN1B gene, results from a T to G substitution at nucleotide position 387. The histidine at codon 129 is replaced by glutamine, an amino acid with highly similar properties. This amino acid position is well conserved in available vertebrate species. In addition, this alteration is predicted to be tolerated by in silico analysis. Based on the available evidence, the clinical significance of this variant remains unclear.

NM_004064.5(CDKN1B):c.387T>G (p.His129Gln)

Gene: CDKN1B (cyclin dependent kinase inhibitor 1B; plus strand). Cytogenetic location: 12p13.1.
Variant type: single nucleotide variant.
Coding change: c.387T>G on transcript NM_004064.5 (MANE Select); coding-DNA position 387, T replaced by G.
Protein change: p.His129Gln; replaces histidine 129 with glutamine.
Molecular consequence: missense variant.
Genome position (GRCh38, 1-based): chr12:12,718,226, T>G. VCF-style: chr12-12718226-T-G. GRCh37 (hg19) VCF-style: chr12-12871160-T-G.
Other names: short protein forms H129Q.
Identifiers: ClinVar variation 4224741 (VCV004224741.1).